The following is an entry in ClinVar:

NM_001292063.2(OTOG):c.2646C>T (p.Ser882=)

Gene: OTOG (otogelin; plus strand). Cytogenetic location: 11p15.1.
Variant type: single nucleotide variant.
Coding change: c.2646C>T on transcript NM_001292063.2 (MANE Select); coding-DNA position 2646, C replaced by T.
Protein change: p.Ser882=; no amino-acid change (serine 882 retained).
Molecular consequence: synonymous variant.
Genome position (GRCh38, 1-based): chr11:17,578,413, C>T. VCF-style: chr11-17578413-C-T. GRCh37 (hg19) VCF-style: chr11-17599960-C-T.
Other names: c.2682C>T, p.Ser894= (NM_001277269.2).
Identifiers: ClinVar variation 3622701 (VCV003622701.15).

ClinVar aggregate classification (germline): Likely benign. Review status: criteria provided, multiple submitters, no conflicts (2 of 4 stars). 2 submissions from 2 submitters: Likely benign (2). Last evaluated 2025-02-01.

gnomAD v4.1: 27 of 1,539,008 alleles (0.0018%); highest among the groups gnomAD compares: Non-Finnish European, 0.0022%; no homozygotes.

Submissions (2):

CeGaT Center for Human Genetics Tuebingen
Classification: Likely benign. Last evaluated: 2025-02-01. Review status: criteria provided, single submitter. Criteria: CeGaT Center For Human Genetics Tuebingen Variant Classification Criteria Version 2. Collection method: clinical testing. Allele origin: germline. Affected: yes. Observed: 1 variant allele.
Comment: OTOG: BP4, BP7

Labcorp Genetics (formerly Invitae), Labcorp
Classification: Likely benign. Last evaluated: 2024-11-05. Review status: criteria provided, single submitter. Criteria: Invitae Variant Classification Sherloc (09022015). Collection method: clinical testing. Allele origin: germline.